The following is an entry in ClinVar:

NM_001111125.3(IQSEC2):c.2869A>C (p.Met957Leu)

Gene: IQSEC2 (IQ motif and Sec7 domain ArfGEF 2; minus strand). Cytogenetic location: Xp11.22.
Variant type: single nucleotide variant.
Coding change: c.2869A>C on transcript NM_001111125.3 (MANE Select); coding-DNA position 2869, A replaced by C.
Protein change: p.Met957Leu; replaces methionine 957 with leucine.
Molecular consequence: missense variant.
Genome position (GRCh38, 1-based): chrX:53,243,352, T>G on the plus strand (A>C on the coding strand, the complement: IQSEC2 is on the minus strand). VCF-style: chrX-53243352-T-G. GRCh37 (hg19) VCF-style: chrX-53272534-T-G.
Other names: c.2254A>C, p.Met752Leu (NM_015075.2); short protein forms M957L, M752L.
Identifiers: ClinVar variation 1031093 (VCV001031093.11), dbSNP rs2074253394, ClinGen allele CA413153485.

ClinVar aggregate classification (germline): Uncertain significance. Review status: criteria provided, multiple submitters, no conflicts (2 of 4 stars). 3 submissions from 3 submitters: Uncertain significance (3). Last evaluated 2022-06-27.

Conditions:
Inborn genetic diseases. Identifiers: MedGen C0950123, MeSH D030342.
Intellectual developmental disorder, X-linked 1. Also called: Atkin Flaitz Patil Smith syndrome; Intellectual disability, X-linked 1; MENTAL RETARDATION, X-LINKED 18; MENTAL RETARDATION, X-LINKED 78. Identifiers: Orphanet 777, MedGen C2931498, MONDO:0010656, OMIM 309530.

Allele frequency attached by ClinVar (database versions not stated): TOPMed 0.00001; gnomAD exomes 0.00002.
gnomAD v4.1: 10 of 1,167,117 alleles (0.00086%); highest among the groups gnomAD compares: Non-Finnish European, 0.0011%; no homozygotes.

Submissions (3):

Ambry Genetics
Classification: Uncertain significance for Inborn genetic diseases. Last evaluated: 2022-06-27. Review status: criteria provided, single submitter. Criteria: Ambry Variant Classification Scheme 2023. Collection method: clinical testing. Allele origin: germline.

Labcorp Genetics (formerly Invitae), Labcorp
Classification: Uncertain significance for Intellectual developmental disorder, X-linked 1. Last evaluated: 2020-12-29. Review status: criteria provided, single submitter. Criteria: Invitae Variant Classification Sherloc (09022015). Collection method: clinical testing. Allele origin: germline.
Comment: This sequence change replaces methionine with leucine at codon 957 of the IQSEC2 protein (p.Met957Leu). The methionine residue is moderately conserved and there is a small physicochemical difference between methionine and leucine. This variant is not present in population databases (ExAC no frequency). This variant has not been reported in the literature in individuals with IQSEC2-related conditions. Advanced modeling of protein sequence and biophysical properties (such as structural, functional, and spatial information, amino acid conservation, physicochemical variation, residue mobility, and thermodynamic stability) performed at Invitae indicates that this missense variant is not expected to disrupt IQSEC2 protein function. In summary, the available evidence is currently insufficient to determine the role of this variant in disease. Therefore, it has been classified as a Variant of Uncertain Significance.

Baylor Genetics
Classification: Uncertain significance for Intellectual developmental disorder, X-linked 1. Last evaluated: 2019-12-26. Review status: criteria provided, single submitter. Criteria: ACMG Guidelines, 2015. Collection method: clinical testing. Allele origin: unknown. Affected: yes.
Comment: This variant was determined to be of uncertain significance according to ACMG Guidelines, 2015 [PMID:25741868].